The following is an entry in ClinVar:

ClinVar aggregate classification (germline): Uncertain significance (1 of 4 stars; one submission).

Submission:

Ambry Genetics
Classification: Uncertain significance. Last evaluated: 2023-05-27. Review status: criteria provided, single submitter. Criteria: Ambry Variant Classification Scheme 2023. Collection method: clinical testing. Allele origin: germline.
Comment: The p.G1789C variant (also known as c.5365G>T), located in coding exon 41 of the PRKDC gene, results from a G to T substitution at nucleotide position 5365. The glycine at codon 1789 is replaced by cysteine, an amino acid with highly dissimilar properties. This amino acid position is conserved. In addition, this alteration is predicted to be tolerated by in silico analysis. Since supporting evidence is limited at this time, the clinical significance of this alteration remains unclear.

NM_006904.7(PRKDC):c.5365G>T (p.Gly1789Cys)

Gene: PRKDC (protein kinase, DNA-activated, catalytic subunit; minus strand). Cytogenetic location: 8q11.21.
Variant type: single nucleotide variant.
Coding change: c.5365G>T on transcript NM_006904.7 (MANE Select); coding-DNA position 5365, G replaced by T.
Protein change: p.Gly1789Cys; replaces glycine 1789 with cysteine.
Molecular consequence: missense variant.
Genome position (GRCh38, 1-based): chr8:47,864,762, C>A on the plus strand (G>T on the coding strand, the complement: PRKDC is on the minus strand). VCF-style: chr8-47864762-C-A. GRCh37 (hg19) VCF-style: chr8-48777323-C-A.
Other names: c.5365G>T, p.Gly1789Cys (NM_001081640.2); short protein forms G1789C.
Identifiers: ClinVar variation 2561899 (VCV002561899.2), dbSNP rs2551871051, ClinGen allele CA371163722.
Genomic context (GRCh38, chr8:47,864,762, plus strand): 5'-CATCCTTCCTGAACATTTCATACACGCTTTCCAGAAGGCCTACTTGTGTGACACATGAAC[C>A]CCTAAGAAAACAAGATAAAATTATATGAACATCCCTGCTTTGAAGAGGAACTTTATGAGT-3'
Protein context (NP_008835.5, residues 1779-1799): QSSFRRIARR[Gly1789Cys]SCVTQVGLLE